The following is an entry in ClinVar:

ClinVar aggregate classification (germline): Uncertain significance (1 of 4 stars; one submission).

Submission:

Labcorp Genetics (formerly Invitae), Labcorp
Classification: Uncertain significance. Last evaluated: 2025-06-11. Review status: criteria provided, single submitter. Criteria: Invitae Variant Classification Sherloc (09022015). Collection method: clinical testing. Allele origin: germline.
Comment: This sequence change replaces proline, which is neutral and non-polar, with alanine, which is neutral and non-polar, at codon 2406 of the NSD1 protein (p.Pro2406Ala). This variant is not present in population databases (gnomAD no frequency). This variant has not been reported in the literature in individuals affected with NSD1-related conditions. Invitae Evidence Modeling of protein sequence and biophysical properties (such as structural, functional, and spatial information, amino acid conservation, physicochemical variation, residue mobility, and thermodynamic stability) indicates that this missense variant is not expected to disrupt NSD1 protein function with a negative predictive value of 95%. In summary, the available evidence is currently insufficient to determine the role of this variant in disease. Therefore, it has been classified as a Variant of Uncertain Significance.

NM_022455.5(NSD1):c.7216C>G (p.Pro2406Ala)

Gene: NSD1 (nuclear receptor binding SET domain protein 1; plus strand). Cytogenetic location: 5q35.3.
Variant type: single nucleotide variant.
Coding change: c.7216C>G on transcript NM_022455.5 (MANE Select); coding-DNA position 7216, C replaced by G.
Protein change: p.Pro2406Ala; replaces proline 2406 with alanine.
Molecular consequence: missense variant.
Genome position (GRCh38, 1-based): chr5:177,294,584, C>G. VCF-style: chr5-177294584-C-G. GRCh37 (hg19) VCF-style: chr5-176721585-C-G.
Other names: c.6343C>G, p.Pro2115Ala (NM_001365684.2, NM_001409308.1, NM_172349.5); c.7216C>G, p.Pro2406Ala (NM_001409301.1, NM_001409302.1, NM_001409303.1); c.6796C>G, p.Pro2266Ala (NM_001409304.1); c.6463C>G, p.Pro2155Ala (NM_001409305.1); c.6454C>G, p.Pro2152Ala (NM_001409306.1, NM_001409307.1); c.6094C>G, p.Pro2032Ala (NM_001409309.1); short protein forms P2032A, P2115A, P2152A, P2155A, P2266A, P2406A.
Identifiers: ClinVar variation 4801584 (VCV004801584.1).